The following is an entry in ClinVar:

ClinVar aggregate classification (germline): Conflicting classifications of pathogenicity. Review status: criteria provided, conflicting classifications (1 of 4 stars). 3 submissions from 3 submitters: Uncertain significance (2); Likely benign (1). Last evaluated 2023-03-23.

Conditions:
Hereditary cancer-predisposing syndrome. Also called: Neoplastic Syndromes, Hereditary; Tumor predisposition; Hereditary Cancer Syndrome; Hereditary neoplastic syndrome. Identifiers: Orphanet 140162, MedGen C0027672, MeSH D009386, MONDO:0015356.

Submissions (3):

University of Washington Department of Laboratory Medicine, University of Washington
Classification: Likely benign for Hereditary cancer-predisposing syndrome. Last evaluated: 2023-03-23. Review status: criteria provided, single submitter. Criteria: Dines et al. (Genet Med. 2020). Collection method: curation. Allele origin: germline.
Comment: Missense variant in a coldspot region where missense variants are very unlikely to be pathogenic (PMID:31911673).

BRCA2 exon 10 coldspot. Reclassification based on statistical prior probability.

Color Diagnostics, LLC DBA Color Health
Classification: Uncertain significance for Hereditary cancer-predisposing syndrome. Last evaluated: 2022-08-15. Review status: criteria provided, single submitter. Criteria: ACMG Guidelines, 2015. Collection method: clinical testing. Allele origin: germline.
Comment: This missense variant replaces proline with threonine at codon 555 of the BRCA2 protein. Computational prediction suggests that this variant may not impact protein structure and function (internally defined REVEL score threshold <= 0.5, PMID: 27666373). To our knowledge, functional studies have not been reported for this variant. This variant has not been reported in individuals affected with hereditary cancer in the literature. This variant has not been identified in the general population by the Genome Aggregation Database (gnomAD). The available evidence is insufficient to determine the role of this variant in disease conclusively. Therefore, this variant is classified as a Variant of Uncertain Significance.

Ambry Genetics
Classification: Uncertain significance for Hereditary cancer-predisposing syndrome. Last evaluated: 2015-09-04. Review status: criteria provided, single submitter. Criteria: Ambry Variant Classification Scheme 2023. Collection method: clinical testing. Allele origin: germline.
Comment: The p.P555T variant (also known as c.1663C>A and 1891C>A), located in coding exon 9 of the BRCA2 gene, results from a C to A substitution at nucleotide position 1663. The proline at codon 555 is replaced by threonine, an amino acid with highly similar properties. This variant was not reported in population based cohorts in the following databases: Database of Single Nucleotide Polymorphisms (dbSNP), NHLBI Exome Sequencing Project (ESP), and 1000 Genomes Project. In the ESP, this variant was not observed in 6503 samples (13006 alleles) with coverage at this position. To date, this alteration has been detected with an allele frequency of approximately 0.001% (greater than 150000 alleles tested) in our clinical cohort. This amino acid position is poorly conserved in available vertebrate species. In addition, this alteration is predicted to be tolerated by in silico analysis. Since supporting evidence is limited at this time, the clinical significance of p.P555T remains unclear.

NM_000059.4(BRCA2):c.1663C>A (p.Pro555Thr)

Gene: BRCA2 (BRCA2 DNA repair associated; plus strand). Cytogenetic location: 13q13.1.
Variant type: single nucleotide variant.
Coding change: c.1663C>A on transcript NM_000059.4 (MANE Select); coding-DNA position 1663, C replaced by A.
Protein change: p.Pro555Thr; replaces proline 555 with threonine.
Molecular consequence: missense variant.
Genome position (GRCh38, 1-based): chr13:32,333,141, C>A. VCF-style: chr13-32333141-C-A. GRCh37 (hg19) VCF-style: chr13-32907278-C-A.
Other names: short protein forms P555T.
Identifiers: ClinVar variation 233715 (VCV000233715.12), dbSNP rs876660590, ClinGen allele CA10579501.